The following is an entry in ClinVar:

ClinVar aggregate classification (germline): Uncertain significance (1 of 4 stars; one submission).

Allele frequency attached by ClinVar (database versions not stated): TOPMed below 0.00001.

Submission:

Labcorp Genetics (formerly Invitae), Labcorp
Classification: Uncertain significance. Last evaluated: 2025-09-02. Review status: criteria provided, single submitter. Criteria: Invitae Variant Classification Sherloc (09022015). Collection method: clinical testing. Allele origin: germline.
Comment: This sequence change replaces lysine, which is basic and polar, with threonine, which is neutral and polar, at codon 938 of the PRPF6 protein (p.Lys938Thr). This variant is present in population databases (no rsID available, gnomAD 0.0009%). This variant has not been reported in the literature in individuals affected with PRPF6-related conditions. ClinVar contains an entry for this variant (Variation ID: 2092280). An algorithm developed to predict the effect of missense changes on protein structure and function (PolyPhen-2) suggests that this variant is likely to be tolerated. In summary, the available evidence is currently insufficient to determine the role of this variant in disease. Therefore, it has been classified as a Variant of Uncertain Significance.

NM_012469.4(PRPF6):c.2813A>C (p.Lys938Thr)

Gene: PRPF6 (pre-mRNA processing factor 6; plus strand). Cytogenetic location: 20q13.33.
Variant type: single nucleotide variant.
Coding change: c.2813A>C on transcript NM_012469.4 (MANE Select); coding-DNA position 2813, A replaced by C.
Protein change: p.Lys938Thr; replaces lysine 938 with threonine.
Molecular consequence: missense variant.
Genome position (GRCh38, 1-based): chr20:64,032,980, A>C. VCF-style: chr20-64032980-A-C. GRCh37 (hg19) VCF-style: chr20-62664333-A-C.
Other names: short protein forms K938T.
Identifiers: ClinVar variation 2092280 (VCV002092280.4), dbSNP rs1185235133, ClinGen allele CA409748441.